The following is an entry in ClinVar:

ClinVar aggregate classification (germline): Uncertain significance (1 of 4 stars; one submission).

Allele frequency attached by ClinVar (database versions not stated): gnomAD exomes below 0.00001; TOPMed below 0.00001.
gnomAD v4.1: 2 of 1,578,994 alleles (0.00013%); highest among the groups gnomAD compares: African/African-American, 0.0013%; no homozygotes.

Submission:

GeneDx
Classification: Uncertain significance. Last evaluated: 2017-01-13. Review status: criteria provided, single submitter. Criteria: GeneDx Variant Classification (06012015). Collection method: clinical testing. Allele origin: germline. Affected: yes.
Comment: A variant of uncertain significance has been identified in the NEB gene. The L8148P variant has not been published as a pathogenic variant, nor has it been reported as a benign variant to our knowledge. The L8148P variant is not observed in large population cohorts (Lek et al., 2016; 1000 Genomes Consortium et al., 2015; Exome Variant Server). The L8148P variant is a semi-conservative amino acid substitution, which may impact secondary protein structure as these residues differ in some properties. This substitution occurs at a position where amino acids with similar properties to Leucine are tolerated across species. In silico analysis is inconsistent in its predictions as to whether or not the variant is damaging to the protein structure/function. Based on the currently available information, it is unclear whether this variant is a pathogenic variant or a rare benign variant.

NM_001164508.2(NEB):c.24338T>C (p.Leu8113Pro)

Genes: NEB (nebulin; minus strand), RIF1 (replication timing regulatory factor 1; plus strand). Cytogenetic location: 2q23.3.
Variant type: single nucleotide variant.
Coding change: c.24338T>C on transcript NM_001164508.2 (MANE Select); coding-DNA position 24338, T replaced by C.
Protein change: p.Leu8113Pro; replaces leucine 8113 with proline.
Molecular consequence: missense variant. On other transcripts: intron variant (1).
Genome position (GRCh38, 1-based): chr2:151,496,996, A>G on the plus strand (T>C on the coding strand, the complement: NEB is on the minus strand). VCF-style: chr2-151496996-A-G. GRCh37 (hg19) VCF-style: chr2-152353510-A-G.
Other names: c.24338T>C, p.Leu8113Pro (NM_001164507.2); c.24443T>C, p.Leu8148Pro (NM_001271208.2); c.18826-628T>C (NM_004543.5); short protein forms L8148P, L8113P.
Identifiers: ClinVar variation 392589 (VCV000392589.2), dbSNP rs1057524553, ClinGen allele CA16603772.